The following is an entry in ClinVar:

NM_004104.5(FASN):c.2930C>T (p.Pro977Leu)

Gene: FASN (fatty acid synthase; minus strand). Cytogenetic location: 17q25.3.
Variant type: single nucleotide variant.
Coding change: c.2930C>T on transcript NM_004104.5 (MANE Select); coding-DNA position 2930, C replaced by T.
Protein change: p.Pro977Leu; replaces proline 977 with leucine.
Molecular consequence: missense variant.
Genome position (GRCh38, 1-based): chr17:82,087,798, G>A on the plus strand (C>T on the coding strand, the complement: FASN is on the minus strand). VCF-style: chr17-82087798-G-A. GRCh37 (hg19) VCF-style: chr17-80045674-G-A.
Other names: short protein forms P977L.
Identifiers: ClinVar variation 1413820 (VCV001413820.8), dbSNP rs370507537, ClinGen allele CA295133375.

ClinVar aggregate classification (germline): Uncertain significance (1 of 4 stars; one submission).

Conditions:
Epileptic encephalopathy. Identifiers: MedGen C0543888, HP:0200134.

gnomAD v4.1: 24 of 1,612,644 alleles (0.0015%); highest among the groups gnomAD compares: African/African-American, 0.019%; no homozygotes.

Submission:

Labcorp Genetics (formerly Invitae), Labcorp
Classification: Uncertain significance for Epileptic encephalopathy. Last evaluated: 2025-04-01. Review status: criteria provided, single submitter. Criteria: Invitae Variant Classification Sherloc (09022015). Collection method: clinical testing. Allele origin: germline.
Comment: This sequence change replaces proline, which is neutral and non-polar, with leucine, which is neutral and non-polar, at codon 977 of the FASN protein (p.Pro977Leu). This variant is not present in population databases (gnomAD no frequency). This variant has not been reported in the literature in individuals affected with FASN-related conditions. ClinVar contains an entry for this variant (Variation ID: 1413820). An algorithm developed to predict the effect of missense changes on protein structure and function (PolyPhen-2) suggests that this variant is likely to be tolerated. In summary, the available evidence is currently insufficient to determine the role of this variant in disease. Therefore, it has been classified as a Variant of Uncertain Significance.